The following is an entry in ClinVar:

NM_002691.4(POLD1):c.885G>A (p.Val295=)

Gene: POLD1 (DNA polymerase delta 1, catalytic subunit; plus strand). Cytogenetic location: 19q13.33.
Variant type: single nucleotide variant.
Coding change: c.885G>A on transcript NM_002691.4 (MANE Select); coding-DNA position 885, G replaced by A.
Protein change: p.Val295=; no amino-acid change (valine 295 retained).
Molecular consequence: synonymous variant. On other transcripts: non-coding transcript variant (1).
Genome position (GRCh38, 1-based): chr19:50,402,656, G>A. VCF-style: chr19-50402656-G-A. GRCh37 (hg19) VCF-style: chr19-50905913-G-A.
Other names: c.885G>A, p.Val295= (NM_001256849.1, NM_001308632.1); c.885G>A (NM_002691.2).
Identifiers: ClinVar variation 1004645 (VCV001004645.12), dbSNP rs201946114, ClinGen allele CA508181903.

ClinVar aggregate classification (germline): Benign/Likely benign. Review status: criteria provided, multiple submitters, no conflicts (2 of 4 stars). 3 submissions from 3 submitters: Benign (1); Likely benign (2). Last evaluated 2025-12-17.

Conditions:
Hereditary cancer-predisposing syndrome. Also called: Tumor predisposition; Hereditary Cancer Syndrome; Hereditary neoplastic syndrome; Neoplastic Syndromes, Hereditary. Identifiers: Orphanet 140162, MedGen C0027672, MeSH D009386, MONDO:0015356.
POLD1-related polyposis and colorectal cancer syndrome (CRCS10). Also called: Colorectal cancer 10; COLORECTAL CANCER, SUSCEPTIBILITY TO, ON CHROMOSOME 19q; Colorectal cancer, susceptibility to, 10. Identifiers: Orphanet 220460, MedGen C2675481, MONDO:0012953, OMIM 612591.

Submissions (3):

Labcorp Genetics (formerly Invitae), Labcorp
Classification: Likely benign for POLD1-related polyposis and colorectal cancer syndrome. Last evaluated: 2025-12-17. Review status: criteria provided, single submitter. Criteria: Invitae Variant Classification Sherloc (09022015). Collection method: clinical testing. Allele origin: germline.

Myriad Genetics, Inc.
Classification: Benign for POLD1-related polyposis and colorectal cancer syndrome. Last evaluated: 2025-02-05. Review status: criteria provided, single submitter. Criteria: Myriad Autosomal Dominant, Autosomal Recessive and X-Linked Classification Criteria (2023). Collection method: clinical testing. Allele origin: unknown.
Comment: This variant is considered benign. This variant is a silent/synonymous amino acid change and it is not expected to impact splicing.

Ambry Genetics
Classification: Likely benign for Hereditary cancer-predisposing syndrome. Last evaluated: 2024-12-22. Review status: criteria provided, single submitter. Criteria: Ambry Variant Classification Scheme 2023. Collection method: clinical testing. Allele origin: germline.